The following is an entry in ClinVar:

NM_003900.5(SQSTM1):c.770T>C (p.Ile257Thr)

Gene: SQSTM1 (sequestosome 1; plus strand). Cytogenetic location: 5q35.3.
Variant type: single nucleotide variant.
Coding change: c.770T>C on transcript NM_003900.5 (MANE Select); coding-DNA position 770, T replaced by C.
Protein change: p.Ile257Thr; replaces isoleucine 257 with threonine.
Molecular consequence: missense variant.
Genome position (GRCh38, 1-based): chr5:179,833,047, T>C. VCF-style: chr5-179833047-T-C. GRCh37 (hg19) VCF-style: chr5-179260047-T-C.
Other names: c.518T>C, p.Ile173Thr (NM_001142298.2, NM_001142299.2); short protein forms I257T, I173T.
Identifiers: ClinVar variation 1373521 (VCV001373521.8), dbSNP rs745788957, ClinGen allele CA3600673.

ClinVar aggregate classification (germline): Uncertain significance (1 of 4 stars; one submission).

Conditions:
Paget disease of bone 2, early-onset (PDB2). Also called: Paget disease of bone 2. Identifiers: MedGen C4085251, MONDO:0011183, OMIM 602080.
Frontotemporal dementia and/or amyotrophic lateral sclerosis 1 (FTDALS1). Also called: C9orf72 Frontotemporal Dementia and/or Amyotrophic Lateral Sclerosis; Frontotemporal dementia with motor neuron disease 1. Identifiers: Orphanet 275872, MedGen C5779877, MONDO:0007105, OMIM 105550.

Allele frequency attached by ClinVar (database versions not stated): gnomAD 0.00001; TOPMed 0.00001; ExAC 0.00002.
gnomAD v4.1: 6 of 1,613,992 alleles (0.00037%); highest among the groups gnomAD compares: Admixed American, 0.0033%; no homozygotes.

Submission:

Labcorp Genetics (formerly Invitae), Labcorp
Classification: Uncertain significance for Paget disease of bone 2, early-onset; Frontotemporal dementia and/or amyotrophic lateral sclerosis 1. Last evaluated: 2025-12-15. Review status: criteria provided, single submitter. Criteria: Invitae Variant Classification Sherloc (09022015). Collection method: clinical testing. Allele origin: germline.
Comment: This sequence change replaces isoleucine, which is neutral and non-polar, with threonine, which is neutral and polar, at codon 257 of the SQSTM1 protein (p.Ile257Thr). This variant is present in population databases (rs745788957, gnomAD 0.006%). This variant has not been reported in the literature in individuals affected with SQSTM1-related conditions. ClinVar contains an entry for this variant (Variation ID: 1373521). Invitae Evidence Modeling of protein sequence and biophysical properties (such as structural, functional, and spatial information, amino acid conservation, physicochemical variation, residue mobility, and thermodynamic stability) indicates that this missense variant is not expected to disrupt SQSTM1 protein function with a negative predictive value of 80%. In summary, the available evidence is currently insufficient to determine the role of this variant in disease. Therefore, it has been classified as a Variant of Uncertain Significance.